The following is an entry in ClinVar:

ClinVar aggregate classification (germline): Benign (1 of 4 stars; one submission).

Allele frequency attached by ClinVar (database versions not stated): 1000 Genomes Project 0.12360; 1000 Genomes Project 30x 0.12883; gnomAD 0.13058 and 0.13335; TOPMed 0.13258.
gnomAD v4.1: 52,962 of 529,004 alleles (10%); highest among the groups gnomAD compares: African/African-American, 26%; 3,706 homozygotes.

Submission:

GeneDx
Classification: Benign. Last evaluated: 2018-06-18. Review status: criteria provided, single submitter. Criteria: GeneDx Variant Classification (06012015). Collection method: clinical testing. Allele origin: germline. Affected: yes.
Comment: This variant is considered likely benign or benign based on one or more of the following criteria: it is a conservative change, it occurs at a poorly conserved position in the protein, it is predicted to be benign by multiple in silico algorithms, and/or has population frequency not consistent with disease.

NM_001376.5(DYNC1H1):c.13373-273G>C

Gene: DYNC1H1 (dynein cytoplasmic 1 heavy chain 1; plus strand). Cytogenetic location: 14q32.31.
Variant type: single nucleotide variant.
Coding change: c.13373-273G>C on transcript NM_001376.5 (MANE Select); 273 bases into the intron before coding-DNA position 13373, G replaced by C.
Molecular consequence: intron variant.
Genome position (GRCh38, 1-based): chr14:102,049,167, G>C. VCF-style: chr14-102049167-G-C. GRCh37 (hg19) VCF-style: chr14-102515504-G-C.
Identifiers: ClinVar variation 671678 (VCV000671678.1), dbSNP rs10136116, ClinGen allele CA14013772.